The following is an entry in ClinVar:

ClinVar aggregate classification (germline): Uncertain significance (1 of 4 stars; one submission).

Submission:

Labcorp Genetics (formerly Invitae), Labcorp
Classification: Uncertain significance. Last evaluated: 2022-01-12. Review status: criteria provided, single submitter. Criteria: Invitae Variant Classification Sherloc (09022015). Collection method: clinical testing. Allele origin: germline.
Comment: In summary, the available evidence is currently insufficient to determine the role of this variant in disease. Therefore, it has been classified as a Variant of Uncertain Significance. Algorithms developed to predict the effect of missense changes on protein structure and function are either unavailable or do not agree on the potential impact of this missense change (SIFT: "Deleterious"; PolyPhen-2: "Benign"; Align-GVGD: "Class C0"). This variant has not been reported in the literature in individuals affected with GATA5-related conditions. This variant is not present in population databases (gnomAD no frequency). This sequence change replaces methionine, which is neutral and non-polar, with lysine, which is basic and polar, at codon 271 of the GATA5 protein (p.Met271Lys).

NM_080473.5(GATA5):c.812T>A (p.Met271Lys)

Gene: GATA5 (GATA binding protein 5; minus strand). Cytogenetic location: 20q13.33.
Variant type: single nucleotide variant.
Coding change: c.812T>A on transcript NM_080473.5 (MANE Select); coding-DNA position 812, T replaced by A.
Protein change: p.Met271Lys; replaces methionine 271 with lysine.
Molecular consequence: missense variant.
Genome position (GRCh38, 1-based): chr20:62,466,439, A>T on the plus strand (T>A on the coding strand, the complement: GATA5 is on the minus strand). VCF-style: chr20-62466439-A-T. GRCh37 (hg19) VCF-style: chr20-61041495-A-T.
Other names: short protein forms M271K.
Identifiers: ClinVar variation 1382347 (VCV001382347.6), dbSNP rs1276846357, ClinGen allele CA409553756.